The following is an entry in ClinVar:

ClinVar aggregate classification (germline): Likely benign (1 of 4 stars; one submission).

Submission:

Mayo Clinic Laboratories, Mayo Clinic
Classification: Likely benign. Last evaluated: 2025-03-18. Review status: criteria provided, single submitter. Criteria: ACMG Guidelines, 2015. Collection method: clinical testing. Allele origin: germline. Observed: 1 variant allele.
Comment: BP4, BP7, PM2_supporting

NM_022436.3(ABCG5):c.666C>A (p.Gly222=)

Genes: ABCG5 (ATP binding cassette subfamily G member 5; minus strand), DYNC2LI1 (dynein cytoplasmic 2 light intermediate chain 1; plus strand). Cytogenetic location: 2p21.
Variant type: single nucleotide variant.
Coding change: c.666C>A on transcript NM_022436.3 (MANE Select); coding-DNA position 666, C replaced by A.
Protein change: p.Gly222=; no amino-acid change (glycine 222 retained).
Molecular consequence: synonymous variant. On other transcripts: intron variant (2).
Genome position (GRCh38, 1-based): chr2:43,826,490, G>T on the plus strand (C>A on the coding strand, the complement: ABCG5 is on the minus strand). VCF-style: chr2-43826490-G-T. GRCh37 (hg19) VCF-style: chr2-44053629-G-T.
Other names: p.Gly222=; c.*16-896G>T (NM_001348913.2, NM_001348912.2).
Identifiers: ClinVar variation 4684562 (VCV004684562.1).